The following is an entry in ClinVar:

NM_005391.5(PDK3):c.707A>G (p.Tyr236Cys)

Gene: PDK3 (pyruvate dehydrogenase kinase 3; plus strand). Cytogenetic location: Xp22.11.
Variant type: single nucleotide variant.
Coding change: c.707A>G on transcript NM_005391.5 (MANE Select); coding-DNA position 707, A replaced by G.
Protein change: p.Tyr236Cys; replaces tyrosine 236 with cysteine.
Molecular consequence: missense variant.
Genome position (GRCh38, 1-based): chrX:24,526,231, A>G. VCF-style: chrX-24526231-A-G. GRCh37 (hg19) VCF-style: chrX-24544348-A-G.
Other names: c.707A>G (NM_001142386.2); c.707A>G, p.Tyr236Cys (NM_001142386.3); short protein forms Y236C.
Identifiers: ClinVar variation 1375083 (VCV001375083.7), dbSNP rs2148201163, ClinGen allele CA412602473.

ClinVar aggregate classification (germline): Uncertain significance. Review status: criteria provided, multiple submitters, no conflicts (2 of 4 stars). 2 submissions from 2 submitters: Uncertain significance (2). Last evaluated 2025-07-16.

Conditions:
Charcot-Marie-Tooth disease X-linked dominant 6. Also called: CHARCOT-MARIE-TOOTH NEUROPATHY, X-LINKED DOMINANT, 6. Identifiers: Orphanet 352675, MedGen C3806702, MONDO:0010479, OMIM 300905.

Submissions (2):

Ambry Genetics
Classification: Uncertain significance. Last evaluated: 2025-07-16. Review status: criteria provided, single submitter. Criteria: Ambry Variant Classification Scheme 2023. Collection method: clinical testing. Allele origin: germline.

Labcorp Genetics (formerly Invitae), Labcorp
Classification: Uncertain significance for Charcot-Marie-Tooth disease X-linked dominant 6. Last evaluated: 2022-10-13. Review status: criteria provided, single submitter. Criteria: Invitae Variant Classification Sherloc (09022015). Collection method: clinical testing. Allele origin: germline.
Comment: In summary, the available evidence is currently insufficient to determine the role of this variant in disease. Therefore, it has been classified as a Variant of Uncertain Significance. Algorithms developed to predict the effect of missense changes on protein structure and function (SIFT, PolyPhen-2, Align-GVGD) all suggest that this variant is likely to be disruptive. ClinVar contains an entry for this variant (Variation ID: 1375083). This variant has not been reported in the literature in individuals affected with PDK3-related conditions. This variant is not present in population databases (gnomAD no frequency). This sequence change replaces tyrosine, which is neutral and polar, with cysteine, which is neutral and slightly polar, at codon 236 of the PDK3 protein (p.Tyr236Cys).